The following is an entry in ClinVar:

NM_001371596.2(MFSD8):c.838_839del (p.Leu280fs)

Gene: MFSD8 (major facilitator superfamily domain containing 8; minus strand). Cytogenetic location: 4q28.2.
Variant type: Microsatellite.
Coding change: c.838_839del on transcript NM_001371596.2 (MANE Select); coding-DNA positions 838 to 839, 2 bases deleted (CT; older notation c.838_839delCT).
Protein change: p.Leu280fs; shifts the reading frame from leucine 280.
Molecular consequence: frameshift variant.
Genome position (GRCh38, 1-based): chr4:127,933,009-127,933,010, AG deleted on the plus strand (CT on the coding strand, the reverse complement: MFSD8 is on the minus strand); deleting any 2 consecutive bases within chr4:127,933,009-127,933,012 gives the same sequence; the c. name uses the placement nearest the transcript's 3' end. VCF-style (leftmost placement, unchanged base first): chr4-127933008-TAG-T. GRCh37 (hg19) VCF-style: chr4-128854163-TAG-T.
Other names: c.637_638del, p.Leu213fs (NM_001363520.3); c.523_524del, p.Leu175fs (NM_001363521.3); c.703_704del, p.Leu235fs (NM_001371590.2); c.838_839del, p.Leu280fs (NM_001371591.2, NM_152778.4); c.844_845del, p.Leu282fs (NM_001371592.2); c.724_725del, p.Leu242fs (NM_001371593.2, NM_001410766.1); c.691_692del, p.Leu231fs (NM_001371594.2); c.556_557del, p.Leu186fs (NM_001371595.1); and 1 more; short protein forms L130fs, L175fs, L186fs, L213fs, L231fs, L235fs, L242fs, L280fs.
Identifiers: ClinVar variation 4057677 (VCV004057677.2).
Genomic context (GRCh38, chr4:127,933,008, plus strand): 5'-CATAATCTGATTCAGATGAAGATGGAATAAAACTTACGTTTCAAAAAGGGCAAAGATAAA[TAG>T]AGTCACAAAAAACAGAACATTGATGGCCACAACAGCAACCTGGTCAATATTTCCTTGGGG-3'

ClinVar aggregate classification (germline): Likely pathogenic (1 of 4 stars; one submission).

Conditions:
Late-infantile neuronal ceroid lipofuscinosis. Also called: Jansky-Bielschowsky disease. Identifiers: MedGen C0022340, MONDO:0015674.

Submission:

Natera, Inc.
Classification: Likely pathogenic for Late-infantile neuronal ceroid lipofuscinosis. Last evaluated: 2025-05-12. Review status: criteria provided, single submitter. Criteria: Natera Variant Classification Schema (03/2026). Collection method: clinical testing. Allele origin: germline.
Comment: The c.838_839del variant in MFSD8 is a frameshift variant predicted to shift the reading frame beginning at codon 280 and leads to a stop codon 7 codons downstream. This variant is expected to result in nonsense mediated decay, truncation, or a dysfunctional protein product. This variant is rare in the general population with a frequency below the threshold expected for the associated phenotype(s). Given the available evidence, this variant is classified as Likely Pathogenic.